The following is an entry in ClinVar:

NM_003172.4(SURF1):c.808G>A (p.Glu270Lys)

Gene: SURF1 (SURF1 cytochrome c oxidase assembly factor; minus strand). Cytogenetic location: 9q34.2.
Variant type: single nucleotide variant.
Coding change: c.808G>A on transcript NM_003172.4 (MANE Select); coding-DNA position 808, G replaced by A.
Protein change: p.Glu270Lys; replaces glutamic acid 270 with lysine.
Molecular consequence: missense variant.
Genome position (GRCh38, 1-based): chr9:133,352,086, C>T on the plus strand (G>A on the coding strand, the complement: SURF1 is on the minus strand). VCF-style: chr9-133352086-C-T. GRCh37 (hg19) VCF-style: chr9-136218941-C-T.
Other names: p.Glu270Lys; c.481G>A, p.Glu161Lys (NM_001280787.1); c.808G>A (NM_003172.2); short protein forms E270K, E161K.
Identifiers: ClinVar variation 526789 (VCV000526789.7), dbSNP rs781924765, ClinGen allele CA200832046.

ClinVar aggregate classification (germline): Uncertain significance. Review status: criteria provided, multiple submitters, no conflicts (2 of 4 stars). 3 submissions from 3 submitters: Uncertain significance (3). Last evaluated 2024-04-30.

Conditions:
Inborn genetic diseases. Identifiers: MedGen C0950123, MeSH D030342.
Leigh syndrome (NULS). Also called: Leigh's syndrome; Leigh's necrotizing encephalopathy; Leigh's disease; Leigh Syndrome (mtDNA deletion); Leigh Disease; Subacute necrotizing encephalopathy. Identifiers: Orphanet 506, MedGen C2931891, MONDO:0009723, OMIM 256000.

Allele frequency attached by ClinVar (database versions not stated): ExAC 0.00001; gnomAD 0.00001; gnomAD exomes 0.00002; TOPMed 0.00003.
gnomAD v4.1: 30 of 1,610,816 alleles (0.0019%); highest among the groups gnomAD compares: African/African-American, 0.0027%; no homozygotes.

Submissions (3):

Mayo Clinic Laboratories, Mayo Clinic
Classification: Uncertain significance. Last evaluated: 2024-04-30. Review status: criteria provided, single submitter. Criteria: ACMG Guidelines, 2015. Collection method: clinical testing. Allele origin: germline. Observed: 1 variant allele.

Labcorp Genetics (formerly Invitae), Labcorp
Classification: Uncertain significance for Leigh syndrome. Last evaluated: 2022-09-19. Review status: criteria provided, single submitter. Criteria: Invitae Variant Classification Sherloc (09022015). Collection method: clinical testing. Allele origin: germline.
Comment: This sequence change replaces glutamic acid, which is acidic and polar, with lysine, which is basic and polar, at codon 270 of the SURF1 protein (p.Glu270Lys). This variant is present in population databases (rs781924765, gnomAD 0.007%). This variant has not been reported in the literature in individuals affected with SURF1-related conditions. ClinVar contains an entry for this variant (Variation ID: 526789). Advanced modeling of protein sequence and biophysical properties (such as structural, functional, and spatial information, amino acid conservation, physicochemical variation, residue mobility, and thermodynamic stability) performed at Invitae indicates that this missense variant is expected to disrupt SURF1 protein function. In summary, the available evidence is currently insufficient to determine the role of this variant in disease. Therefore, it has been classified as a Variant of Uncertain Significance.

Ambry Genetics
Classification: Uncertain significance for Inborn genetic diseases. Last evaluated: 2021-09-17. Review status: criteria provided, single submitter. Criteria: Ambry Variant Classification Scheme 2023. Collection method: clinical testing. Allele origin: germline.